The following is an entry in ClinVar:

ClinVar aggregate classification (germline): Uncertain significance (1 of 4 stars; one submission).

Submission:

GeneDx
Classification: Uncertain significance. Last evaluated: 2025-07-28. Review status: criteria provided, single submitter. Criteria: GeneDx Variant Classification Process June 2021. Collection method: clinical testing. Allele origin: germline. Affected: yes.
Comment: Not observed at significant frequency in large population cohorts (gnomAD); In silico analysis suggests that this missense variant does not alter protein structure/function; Has not been previously published as pathogenic or benign to our knowledge

NM_015570.4(AUTS2):c.185C>G (p.Pro62Arg)

Gene: AUTS2 (activator of transcription and developmental regulator AUTS2; plus strand). Cytogenetic location: 7q11.22.
Variant type: single nucleotide variant.
Coding change: c.185C>G on transcript NM_015570.4 (MANE Select); coding-DNA position 185, C replaced by G.
Protein change: p.Pro62Arg; replaces proline 62 with arginine.
Molecular consequence: missense variant.
Genome position (GRCh38, 1-based): chr7:69,599,838, C>G. VCF-style: chr7-69599838-C-G. GRCh37 (hg19) VCF-style: chr7-69064824-C-G.
Other names: c.185C>G, p.Pro62Arg (NM_001127231.3, NM_001127232.3); short protein forms P62R.
Identifiers: ClinVar variation 4689893 (VCV004689893.1).